The following is an entry in ClinVar:

NM_022893.4(BCL11A):c.2060C>G (p.Ser687Trp)

Gene: BCL11A (BCL11 transcription factor A; minus strand). Cytogenetic location: 2p16.1.
Variant type: single nucleotide variant.
Coding change: c.2060C>G on transcript NM_022893.4 (MANE Select); coding-DNA position 2060, C replaced by G.
Protein change: p.Ser687Trp; replaces serine 687 with tryptophan.
Molecular consequence: missense variant. On other transcripts: intron variant (6).
Genome position (GRCh38, 1-based): chr2:60,460,852, G>C on the plus strand (C>G on the coding strand, the complement: BCL11A is on the minus strand). VCF-style: chr2-60460852-G-C. GRCh37 (hg19) VCF-style: chr2-60687987-G-C.
Other names: c.1958C>G, p.Ser653Trp (NM_001363864.1, NM_001365609.1, NM_001405711.1 and 2 more transcripts); c.2060C>G, p.Ser687Trp (NM_001405708.1, NM_001405709.1, NM_001405710.1 and 1 more transcripts); c.1904C>G, p.Ser635Trp (NM_001405713.1, NM_001405714.1, NM_001405715.1 and 3 more transcripts); c.1802C>G, p.Ser601Trp (NM_001405717.1, NM_001405718.1, NM_001405724.1); c.1727C>G, p.Ser576Trp (NM_001405720.1, NM_001405721.1); c.1604C>G, p.Ser535Trp (NM_001405725.1, NM_001405726.1, NM_001405727.1 and 1 more transcripts); c.1367C>G, p.Ser456Trp (NM_001405729.1); c.1523C>G, p.Ser508Trp (NM_001405730.1); and 5 more; short protein forms S356W, S456W, S508W, S535W, S576W, S601W, S635W, S653W.
Identifiers: ClinVar variation 5040558 (VCV005040558.1).

ClinVar aggregate classification (germline): Uncertain significance (1 of 4 stars; one submission).

gnomAD v4.1: 1 of 1,613,036 alleles (0.000062%); highest among the groups gnomAD compares: Admixed American, 0.0017%; no homozygotes.

Submission:

CeGaT Center for Human Genetics Tuebingen
Classification: Uncertain significance. Last evaluated: 2026-08-01. Review status: criteria provided, single submitter. Criteria: CeGaT Center For Human Genetics Tuebingen Variant Classification Criteria Version 2. Collection method: clinical testing. Allele origin: germline. Affected: yes. Observed: 1 variant allele.
Comment: BCL11A: PM2